The following is an entry in ClinVar:

ClinVar aggregate classification (germline): Pathogenic (1 of 4 stars; one submission).

Conditions:
Breast-ovarian cancer, familial, susceptibility to, 2 (BROVCA2). Also called: BRCA2 Hereditary Breast and Ovarian Cancer. Identifiers: Orphanet 145, MedGen C2675520, MONDO:0012933, OMIM 612555. Disease mechanism: loss of function.

Submission:

Myriad Genetics, Inc.
Classification: Pathogenic for Breast-ovarian cancer, familial, susceptibility to, 2. Last evaluated: 2025-08-27. Review status: criteria provided, single submitter. Criteria: Myriad Autosomal Dominant, Autosomal Recessive and X-Linked Classification Criteria (2023). Collection method: clinical testing. Allele origin: unknown.
Comment: This variant is considered pathogenic. This variant creates a frameshift predicted to result in premature protein truncation.

NM_000059.4(BRCA2):c.2461del (p.Val821fs)

Gene: BRCA2 (BRCA2 DNA repair associated; plus strand). Cytogenetic location: 13q13.1.
Variant type: Deletion.
Coding change: c.2461del on transcript NM_000059.4 (MANE Select); coding-DNA position 2461, one base deleted (G; older notation c.2461delG).
Protein change: p.Val821fs; shifts the reading frame from valine 821.
Molecular consequence: frameshift variant. On other transcripts: non-coding transcript variant (1), intron variant (2).
Genome position (GRCh38, 1-based): chr13:32,336,816, G deleted. VCF-style (leftmost placement, unchanged base first): chr13-32336815-TG-T. GRCh37 (hg19) VCF-style: chr13-32910952-TG-T.
Other names: c.2461del, p.Val821fs (NM_001406719.1, NM_001406720.1, NM_001432077.1); c.1909+3429del (NM_001406721.1); c.424+5786del (NM_001406722.1); short protein forms V821fs.
Identifiers: ClinVar variation 4294259 (VCV004294259.1).